The following is an entry in ClinVar:

NM_001430.5(EPAS1):c.1645G>C (p.Glu549Gln)

Gene: EPAS1 (endothelial PAS domain protein 1; plus strand). Cytogenetic location: 2p21.
Variant type: single nucleotide variant.
Coding change: c.1645G>C on transcript NM_001430.5 (MANE Select); coding-DNA position 1645, G replaced by C.
Protein change: p.Glu549Gln; replaces glutamic acid 549 with glutamine.
Molecular consequence: missense variant.
Genome position (GRCh38, 1-based): chr2:46,380,317, G>C. VCF-style: chr2-46380317-G-C. GRCh37 (hg19) VCF-style: chr2-46607456-G-C.
Other names: short protein forms E549Q.
Identifiers: ClinVar variation 3221561 (VCV003221561.1), dbSNP rs1473294200, ClinGen allele CA346704579.

ClinVar aggregate classification (germline): Uncertain significance (1 of 4 stars; one submission).

Conditions:
Inborn genetic diseases. Identifiers: MedGen C0950123, MeSH D030342.

Submission:

Ambry Genetics
Classification: Uncertain significance for Inborn genetic diseases. Last evaluated: 2024-01-29. Review status: criteria provided, single submitter. Criteria: Ambry Variant Classification Scheme 2023. Collection method: clinical testing. Allele origin: germline.
Comment: The p.E549Q variant (also known as c.1645G>C), located in coding exon 12 of the EPAS1 gene, results from a G to C substitution at nucleotide position 1645. The glutamic acid at codon 549 is replaced by glutamine, an amino acid with highly similar properties. This amino acid position is conserved. In addition, this alteration is predicted to be tolerated by in silico analysis. Based on the available evidence, the clinical significance of this alteration remains unclear.